The following is an entry in ClinVar:

ClinVar aggregate classification (germline): Uncertain significance (1 of 4 stars; one submission).

Conditions:
Myopathy, myofibrillar, 9, with early respiratory failure (MFM9). Also called: Hereditary myopathy with early respiratory failure; EDSTROM MYOPATHY; MYOPATHY, PROXIMAL, WITH EARLY RESPIRATORY MUSCLE INVOLVEMENT; Myopathy, distal, with early respiratory failure, autosomal dominant. Identifiers: Orphanet 178464, Orphanet 34521, MedGen C1863599, MONDO:0011362, OMIM 603689.

Submission:

Neuberg Centre For Genomic Medicine, NCGM
Classification: Uncertain significance for Myopathy, myofibrillar, 9, with early respiratory failure. Review status: criteria provided, single submitter. Criteria: ACMG Guidelines, 2015. Collection method: clinical testing. Allele origin: germline. Inheritance: Autosomal dominant inheritance. Affected: yes.
Comment: The observed missense variant c.33994G>Ap.Val11332Met in the TTN gene has not been reported previously as a pathogenic variant nor as a benign variant, to our knowledge. This variant is reported with the allele frequency 0.002% in the gnomAD Exomes. The amino acid Val at position 11332 is changed to a Met changing protein sequence and it might alter its composition and physico- chemical properties. Computational evidence Polyphen - Polymorhism, SIFT - Tolerated and MutationTaster - Damaging predicts conflicting evidence on protein structure and function for this variant. The residue is conserved by GERP++and PhyloP across 100 vertebrates. For these reasons, this variant has been classified as Uncertain Significance.

NM_001267550.2(TTN):c.33994G>A (p.Val11332Met)

Gene: TTN (titin; minus strand). Cytogenetic location: 2q31.2.
Variant type: single nucleotide variant.
Coding change: c.33994G>A on transcript NM_001267550.2 (MANE Select); coding-DNA position 33994, G replaced by A.
Protein change: p.Val11332Met; replaces valine 11332 with methionine.
Molecular consequence: missense variant. On other transcripts: intron variant (3).
Genome position (GRCh38, 1-based): chr2:178,678,125, C>T on the plus strand (G>A on the coding strand, the complement: TTN is on the minus strand). VCF-style: chr2-178678125-C-T. GRCh37 (hg19) VCF-style: chr2-179542852-C-T.
Other names: c.33043G>A, p.Val11015Met (NM_001256850.1); c.30262G>A, p.Val10088Met (NM_133378.4); c.13283-35808G>A (NM_003319.4); c.13859-35808G>A (NM_133437.4); c.13658-35808G>A (NM_133432.3); short protein forms V10088M, V11015M, V11332M.
Identifiers: ClinVar variation 3391212 (VCV003391212.1).